The following is an entry in ClinVar:

NM_000102.4(CYP17A1):c.1140-4G>A

Gene: CYP17A1 (cytochrome P450 family 17 subfamily A member 1; minus strand). Cytogenetic location: 10q24.32.
Variant type: single nucleotide variant.
Coding change: c.1140-4G>A on transcript NM_000102.4 (MANE Select); 4 bases into the intron before coding-DNA position 1140, G replaced by A.
Molecular consequence: intron variant.
Genome position (GRCh38, 1-based): chr10:102,831,615, C>T on the plus strand (G>A on the coding strand, the complement: CYP17A1 is on the minus strand). VCF-style: chr10-102831615-C-T. GRCh37 (hg19) VCF-style: chr10-104591372-C-T.
Identifiers: ClinVar variation 4086130 (VCV004086130.1).
Genomic context (GRCh38, chr10:102,831,615, plus strand): 5'-AGCGCCCACAGATTGATGATAACTTCTGTGCCCTTGTCCACAGCAAACTCACCGATGCTG[C>T]TCCAGAGTGGAAGAGGAAAAGTGGGTCTGGGACTTCGTACTCCCTTCCTTGCTCAGCCTC-3'

ClinVar aggregate classification (germline): Uncertain significance (1 of 4 stars; one submission).

Conditions:
Deficiency of steroid 17-alpha-monooxygenase. Also called: 17-alpha-hydroxylase/17,20-lyase deficiency; 17-ALPHA-HYDROXYLASE DEFICIENCY; ADRENAL HYPERPLASIA V; Congenital adrenal hyperplasia due to 17-alpha-hydroxylase deficiency; Congenital adrenal hyperplasia type 5. Identifiers: Orphanet 90793, MedGen C0268285, MONDO:0008730, OMIM 202110.

Submission:

Neuberg Centre For Genomic Medicine, NCGM
Classification: Uncertain significance for Deficiency of steroid 17-alpha-monooxygenase. Review status: criteria provided, single submitter. Criteria: ACMG Guidelines, 2015. Collection method: clinical testing. Allele origin: germline. Inheritance: Autosomal recessive inheritance. Affected: yes.
Comment: 17-alpha-hydroxylase/17,20-lyase deficiency Severe mutations of CYP17A1 cause complete 17-hydroxylase/17,20-lyase deficiency (17OHD), which disrupts steroidogenesis in both the adrenals and the gonads. Pubertal failure is one of the major features of 17OHD. In addition, individuals with both 46,XX and 46,XY karyotypes will have female external genitalia from absent testosterone (T) and dihydrotestosterone (DHT) synthesis in fetal life, but the 46,XY individuals will not have internal Müllerian structure, due to preservation of anti-Müllerian hormone from the testes. The second major feature of 17OHD derives from the adrenal enzyme deficiency. Unlike all other forms of congenital adrenal hyperplasia, infants are not glucocorticoid deficient, even though their cortisol production is low. In the absence of adrenal 17-hydroxylase activity, corticosterone accumulates and substitutes for cortisol. Consequently, adrenal crisis is very rare in 17OHD, and children escape diagnosis until adolescence for this reason. Instead, the precursor DOC accumulates, but manifestations of mineralocorticoid excess tend not to occur in infancy because the newborn kidney is rather insensitive to mineralocorticoids. Gradually and typically in adolescence, DOC excess causes hypertension and hypokalemia. Thus, the most common presentation of 17OHD is an adolescent girl without secondary sexual characteristics or menses and low-renin hypertension. The hypokalemia can be severe and cause muscle cramps or frank tetany, which can be the presenting symptom complex (Auchus RJ., 2017).